The following is an entry in ClinVar:

ClinVar aggregate classification (germline): Benign. Review status: criteria provided, multiple submitters, no conflicts (2 of 4 stars). 2 submissions from 2 submitters: Benign (2). Last evaluated 2018-06-20.

Allele frequency attached by ClinVar (database versions not stated): gnomAD 0.47015; TOPMed 0.48290; 1000 Genomes Project 0.52616; 1000 Genomes Project 30x 0.53498.
gnomAD v4.1: 315,656 of 875,238 alleles (36%); highest among the groups gnomAD compares: African/African-American, 82%; 65,972 homozygotes.

Submissions (2):

GeneDx
Classification: Benign. Last evaluated: 2018-06-20. Review status: criteria provided, single submitter. Criteria: GeneDx Variant Classification (06012015). Collection method: clinical testing. Allele origin: germline. Affected: yes.
Comment: This variant is considered likely benign or benign based on one or more of the following criteria: it is a conservative change, it occurs at a poorly conserved position in the protein, it is predicted to be benign by multiple in silico algorithms, and/or has population frequency not consistent with disease.

Breakthrough Genomics
Classification: Benign. Review status: criteria provided, single submitter. Criteria: ACMG Guidelines, 2015. Collection method: not provided. Allele origin: germline. Inheritance: Autosomal dominant inheritance. Affected: yes.

NM_001042492.3(NF1):c.3315-130G>C

Gene: NF1 (neurofibromin 1; plus strand). Cytogenetic location: 17q11.2.
Variant type: single nucleotide variant.
Coding change: c.3315-130G>C on transcript NM_001042492.3 (MANE Select); 130 bases into the intron before coding-DNA position 3315, G replaced by C.
Molecular consequence: intron variant.
Genome position (GRCh38, 1-based): chr17:31,232,570, G>C. VCF-style: chr17-31232570-G-C. GRCh37 (hg19) VCF-style: chr17-29559588-G-C.
Other names: c.3315-130G>C (NM_000267.4).
Identifiers: ClinVar variation 561471 (VCV000561471.2), dbSNP rs2072131, ClinGen allele CA14497105.